The following is an entry in ClinVar:

ClinVar aggregate classification (germline): Benign/Likely benign. Review status: criteria provided, multiple submitters, no conflicts (2 of 4 stars). 3 submissions from 3 submitters: Benign (1); Likely benign (2). Last evaluated 2025-11-18.

Conditions:
Retinal cone dystrophy 4 (RCD4). Identifiers: Orphanet 1872, MedGen C1864849, MONDO:0012507, OMIM 610478.

Allele frequency attached by ClinVar (database versions not stated): TOPMed 0.00017; 1000 Genomes Project 30x 0.00062; 1000 Genomes Project 0.00080.

Submissions (3):

Labcorp Genetics (formerly Invitae), Labcorp
Classification: Benign. Last evaluated: 2025-11-18. Review status: criteria provided, single submitter. Criteria: Invitae Variant Classification Sherloc (09022015). Collection method: clinical testing. Allele origin: germline.

Blueprint Genetics
Classification: Likely benign. Last evaluated: 2024-06-13. Review status: criteria provided, single submitter. Criteria: ACMG Guidelines, 2015. Collection method: clinical testing. Allele origin: germline.

Illumina Laboratory Services, Illumina
Classification: Likely benign for Retinal cone dystrophy 4. Last evaluated: 2018-01-13. Review status: criteria provided, single submitter. Criteria: ICSL Variant Classification Criteria 13 December 2019. Collection method: clinical testing. Allele origin: germline.
Comment: This variant was observed in the ICSL laboratory as part of a predisposition screen in an ostensibly healthy population. It had not been previously curated by ICSL or reported in the Human Gene Mutation Database (HGMD: prior to June 1st, 2018), and was therefore a candidate for classification through an automated scoring system. Utilizing variant allele frequency, disease prevalence and penetrance estimates, and inheritance mode, an automated score was calculated to assess if this variant is too frequent to cause the disease. Based on the score and internal cut-off values, a variant classified as likely benign is not then subjected to further curation. The score for this variant resulted in a classification of likely benign for this disease.

NM_172364.5(CACNA2D4):c.1239G>T (p.Pro413=)

Gene: CACNA2D4 (calcium voltage-gated channel auxiliary subunit alpha2delta 4; minus strand). Cytogenetic location: 12p13.33.
Variant type: single nucleotide variant.
Coding change: c.1239G>T on transcript NM_172364.5 (MANE Select); coding-DNA position 1239, G replaced by T.
Protein change: p.Pro413=; no amino-acid change (proline 413 retained).
Molecular consequence: synonymous variant.
Genome position (GRCh38, 1-based): chr12:1,884,801, C>A on the plus strand (G>T on the coding strand, the complement: CACNA2D4 is on the minus strand). VCF-style: chr12-1884801-C-A. GRCh37 (hg19) VCF-style: chr12-1993967-C-A.
Identifiers: ClinVar variation 307864 (VCV000307864.13), dbSNP rs201783863, ClinGen allele CA6387216.